The following is an entry in ClinVar:

ClinVar aggregate classification (germline): Uncertain significance. Review status: criteria provided, multiple submitters, no conflicts (2 of 4 stars). 2 submissions from 2 submitters: Uncertain significance (2). Last evaluated 2024-12-24.

Conditions:
Familial hypocalciuric hypercalcemia 2. Also called: FAMILIAL BENIGN HYPERCALCEMIA, TYPE II; Hypocalciuric hypercalcemia, familial, type II; Hypocalciuric hypercalcemia, type II. Identifiers: Orphanet 101049, Orphanet 405, MedGen C1840347, MONDO:0007792, OMIM 145981.
Autosomal dominant hypocalcemia 2. Identifiers: Orphanet 2238, Orphanet 428, MedGen C3809243, MONDO:0014146, OMIM 615361.

Allele frequency attached by ClinVar (database versions not stated): gnomAD exomes below 0.00001; TOPMed below 0.00001.
gnomAD v4.1: 5 of 1,613,384 alleles (0.00031%); highest among the groups gnomAD compares: Middle Eastern, 0.017%; no homozygotes.

Submissions (2):

Labcorp Genetics (formerly Invitae), Labcorp
Classification: Uncertain significance. Last evaluated: 2024-12-24. Review status: criteria provided, single submitter. Criteria: Invitae Variant Classification Sherloc (09022015). Collection method: clinical testing. Allele origin: germline.
Comment: This sequence change replaces arginine, which is basic and polar, with tryptophan, which is neutral and slightly polar, at codon 306 of the GNA11 protein (p.Arg306Trp). This variant is present in population databases (no rsID available, gnomAD no frequency). This variant has not been reported in the literature in individuals affected with GNA11-related conditions. ClinVar contains an entry for this variant (Variation ID: 1955349). Invitae Evidence Modeling of protein sequence and biophysical properties (such as structural, functional, and spatial information, amino acid conservation, physicochemical variation, residue mobility, and thermodynamic stability) indicates that this missense variant is not expected to disrupt GNA11 protein function with a negative predictive value of 80%. In summary, the available evidence is currently insufficient to determine the role of this variant in disease. Therefore, it has been classified as a Variant of Uncertain Significance.

Fulgent Genetics
Classification: Uncertain significance for Familial hypocalciuric hypercalcemia 2; Autosomal dominant hypocalcemia 2. Last evaluated: 2024-02-20. Review status: criteria provided, single submitter. Criteria: ACMG Guidelines, 2015. Collection method: clinical testing. Allele origin: germline.

NM_002067.5(GNA11):c.916C>T (p.Arg306Trp)

Gene: GNA11 (G protein subunit alpha 11; plus strand). Cytogenetic location: 19p13.3.
Variant type: single nucleotide variant.
Coding change: c.916C>T on transcript NM_002067.5 (MANE Select); coding-DNA position 916, C replaced by T.
Protein change: p.Arg306Trp; replaces arginine 306 with tryptophan.
Molecular consequence: missense variant.
Genome position (GRCh38, 1-based): chr19:3,121,015, C>T. VCF-style: chr19-3121015-C-T. GRCh37 (hg19) VCF-style: chr19-3121013-C-T.
Other names: short protein forms R306W.
Identifiers: ClinVar variation 1955349 (VCV001955349.6), dbSNP rs1317335037, ClinGen allele CA403312059.
Genomic context (GRCh38, chr19:3,121,015, plus strand): 5'-CTGGGGCACAGCCTCACCCTCTGCCCTCCCCCAGGTCCCCAGCGGGACGCCCAGGCGGCG[C>T]GGGAGTTCATCCTGAAGATGTTCGTGGACCTGAACCCCGACAGCGACAAGATCATCTACT-3'
Protein context (NP_002058.2, residues 296-316): DGPQRDAQAA[Arg306Trp]EFILKMFVDL